The following is an entry in ClinVar:

ClinVar aggregate classification (germline): Uncertain significance. Review status: criteria provided, multiple submitters, no conflicts (2 of 4 stars). 2 submissions from 2 submitters: Uncertain significance (2). Last evaluated 2021-08-31.

Conditions:
Ehlers-Danlos syndrome, type 4 (EDSVASC). Also called: Ehlers-Danlos syndrome vascular type; Ehlers Danlos syndrome, ecchymotic type; Ehlers Danlos syndrome, arterial type; Ehlers Danlos syndrome, Sack-Barabas type; Ehlers-Danlos Syndrome Type IV. Identifiers: Orphanet 286, MedGen C0268338, MONDO:0017314, OMIM 130050.

Submissions (2):

Labcorp Genetics (formerly Invitae), Labcorp
Classification: Uncertain significance for Ehlers-Danlos syndrome, type 4. Last evaluated: 2021-08-31. Review status: criteria provided, single submitter. Criteria: Invitae Variant Classification Sherloc (09022015). Collection method: clinical testing. Allele origin: germline.
Comment: This sequence change replaces proline with serine at codon 1148 of the COL3A1 protein (p.Pro1148Ser). The proline residue is highly conserved and there is a moderate physicochemical difference between proline and serine. This variant is not present in population databases (ExAC no frequency). This variant has not been reported in the literature in individuals affected with COL3A1-related conditions. Advanced modeling of protein sequence and biophysical properties (such as structural, functional, and spatial information, amino acid conservation, physicochemical variation, residue mobility, and thermodynamic stability) performed at Invitae indicates that this missense variant is not expected to disrupt COL3A1 protein function. In summary, the available evidence is currently insufficient to determine the role of this variant in disease. Therefore, it has been classified as a Variant of Uncertain Significance.

GeneDx
Classification: Uncertain significance. Last evaluated: 2020-07-15. Review status: criteria provided, single submitter. Criteria: GeneDx Variant Classification Process June 2021. Collection method: clinical testing. Allele origin: germline. Affected: yes.
Comment: Has not been previously published as pathogenic or benign to our knowledge; Not observed at a significant frequency in large population cohorts (Lek et al., 2016); In silico analysis supports that this missense variant has a deleterious effect on protein structure/function; Occurs in the triple helical domain at the Y position in the canonical Gly-X-Y repeat; although this variant may have an effect on normal protein folding and function, missense substitution at the Y position is not a common mechanism of disease (Stenson et al., 2014)

NM_000090.4(COL3A1):c.3442C>T (p.Pro1148Ser)

Gene: COL3A1 (collagen type III alpha 1 chain; plus strand). Cytogenetic location: 2q32.2.
Variant type: single nucleotide variant.
Coding change: c.3442C>T on transcript NM_000090.4 (MANE Select); coding-DNA position 3442, C replaced by T.
Protein change: p.Pro1148Ser; replaces proline 1148 with serine.
Molecular consequence: missense variant.
Genome position (GRCh38, 1-based): chr2:189,008,059, C>T. VCF-style: chr2-189008059-C-T. GRCh37 (hg19) VCF-style: chr2-189872785-C-T.
Other names: short protein forms P1148S.
Identifiers: ClinVar variation 1313129 (VCV001313129.6), dbSNP rs1287518692, ClinGen allele CA349846389.